The following is an entry in ClinVar:

ClinVar aggregate classification (germline): Pathogenic (1 of 4 stars; one submission).

Submission:

GeneDx
Classification: Pathogenic. Last evaluated: 2018-01-05. Review status: criteria provided, single submitter. Criteria: GeneDx Variant Classification (06012015). Collection method: clinical testing. Allele origin: germline. Affected: yes.
Comment: The c.819delAinsCT variant in the DDX3X gene has not been reported previously as a pathogenic variant nor as a benign variant, to our knowledge. This variant causes a frameshift starting with codon Proline 274, changes this amino acid to a Serine residue, and creates a premature Stop codon at position 21 of the new reading frame, denoted p.Pro274SerfsX21. The c.819delAinsCT variant is predicted to cause loss of normal protein function either through protein truncation or nonsense-mediated mRNA decay. This variant is not observed in large population cohorts (Lek et al., 2016). We interpret c.819delAinsCT as a pathogenic variant.

NM_001356.5(DDX3X):c.819delinsCT (p.Pro274fs)

Gene: DDX3X (DEAD-box helicase 3 X-linked; plus strand). Cytogenetic location: Xp11.4.
Variant type: Indel.
Coding change: c.819delinsCT on transcript NM_001356.5 (MANE Select); coding-DNA position 819, A replaced by CT.
Protein change: p.Pro274fs; shifts the reading frame from proline 274.
Molecular consequence: frameshift variant. On other transcripts: non-coding transcript variant (1).
Genome position (GRCh38, 1-based): chrX:41,344,083, A replaced by CT. VCF-style: chrX-41344083-A-CT. GRCh37 (hg19) VCF-style: chrX-41203336-A-CT.
Other names: c.819delinsCT, p.Pro274fs (NM_001193416.3); c.771delinsCT, p.Pro258fs (NM_001193417.3); c.261delinsCT, p.Pro88fs (NM_001363819.1); short protein forms P88fs, P258fs, P274fs.
Identifiers: ClinVar variation 504082 (VCV000504082.2), dbSNP rs1555953420, ClinGen allele CA658799710.